The following is an entry in ClinVar:

NM_025219.3(DNAJC5):c.70A>G (p.Lys24Glu)

Gene: DNAJC5 (DnaJ heat shock protein family (Hsp40) member C5; plus strand). Cytogenetic location: 20q13.33.
Variant type: single nucleotide variant.
Coding change: c.70A>G on transcript NM_025219.3 (MANE Select); coding-DNA position 70, A replaced by G.
Protein change: p.Lys24Glu; replaces lysine 24 with glutamic acid.
Molecular consequence: missense variant.
Genome position (GRCh38, 1-based): chr20:63,928,415, A>G. VCF-style: chr20-63928415-A-G. GRCh37 (hg19) VCF-style: chr20-62559768-A-G.
Other names: short protein forms K24E.
Identifiers: ClinVar variation 1355562 (VCV001355562.8), dbSNP rs1187650085, ClinGen allele CA409715458.
Genomic context (GRCh38, chr20:63,928,415, plus strand): 5'-CAGAGACAGCGCTCACTGTCTACCTCTGGGGAGTCATTGTACCACGTCCTTGGGTTGGAC[A>G]AGAACGCAACCTCAGATGACATTAAAAAGTCCTATCGGTAAGTGGACAAGTGTGGCCCCC-3'
Protein context (NP_079495.1, residues 14-34): ESLYHVLGLD[Lys24Glu]NATSDDIKKS

ClinVar aggregate classification (germline): Uncertain significance (1 of 4 stars; one submission).

Conditions:
Neuronal ceroid lipofuscinosis. Also called: Neuronal Ceroid Lipofuscinoses. Identifiers: Orphanet 216, Orphanet 79263, MedGen C0027877, MONDO:0016295. Disease mechanism: loss of function.

Allele frequency attached by ClinVar (database versions not stated): gnomAD exomes below 0.00001.
gnomAD v4.1: 1 of 1,614,102 alleles (0.000062%); no homozygotes.

Submission:

Labcorp Genetics (formerly Invitae), Labcorp
Classification: Uncertain significance for Neuronal ceroid lipofuscinosis. Last evaluated: 2021-05-20. Review status: criteria provided, single submitter. Criteria: Invitae Variant Classification Sherloc (09022015). Collection method: clinical testing. Allele origin: germline.
Comment: In summary, the available evidence is currently insufficient to determine the role of this variant in disease. Therefore, it has been classified as a Variant of Uncertain Significance. Algorithms developed to predict the effect of missense changes on protein structure and function are either unavailable or do not agree on the potential impact of this missense change (SIFT: "Tolerated"; PolyPhen-2: "Possibly Damaging"; Align-GVGD: "Class C0"). This variant has not been reported in the literature in individuals with DNAJC5-related conditions. This variant is not present in population databases (ExAC no frequency). This sequence change replaces lysine with glutamic acid at codon 24 of the DNAJC5 protein (p.Lys24Glu). The lysine residue is highly conserved and there is a small physicochemical difference between lysine and glutamic acid.